The following is an entry in ClinVar:

ClinVar aggregate classification (germline): Uncertain significance (1 of 4 stars; one submission).

Conditions:
Hereditary sensory and autonomic neuropathy type 6. Also called: HSAN VI; Neuropathy, hereditary sensory and autonomic, type VI. Identifiers: Orphanet 314381, MedGen C3539003, MONDO:0013839, OMIM 614653.
Epidermolysis bullosa simplex 3, localized or generalized intermediate, with BP230 deficiency (EBS3). Also called: Epidermolysis bullosa simplex, autosomal recessive 2; Epidermolysis bullosa simplex due to BP230 deficiency. Identifiers: Orphanet 412181, MedGen C3809470, MONDO:0014180, OMIM 615425.

Allele frequency attached by ClinVar (database versions not stated): TOPMed below 0.00001; ExAC 0.00001; gnomAD exomes 0.00002 and 0.00005; ESP Exome Variant Server 0.00008.
gnomAD v4.1: 70 of 1,613,684 alleles (0.0043%); highest among the groups gnomAD compares: Non-Finnish European, 0.0058%; 1 homozygote.

Submission:

Labcorp Genetics (formerly Invitae), Labcorp
Classification: Uncertain significance for Epidermolysis bullosa simplex 3, localized or generalized intermediate, with BP230 deficiency; Hereditary sensory and autonomic neuropathy type 6. Last evaluated: 2021-09-01. Review status: criteria provided, single submitter. Criteria: Invitae Variant Classification Sherloc (09022015). Collection method: clinical testing. Allele origin: germline.
Comment: This sequence change replaces aspartic acid with asparagine at codon 928 of the DST protein (p.Asp928Asn). The aspartic acid residue is highly conserved and there is a small physicochemical difference between aspartic acid and asparagine. This variant is present in population databases (rs141875862, ExAC 0.001%). This variant has not been reported in the literature in individuals affected with DST-related conditions. Algorithms developed to predict the effect of missense changes on protein structure and function are either unavailable or do not agree on the potential impact of this missense change (SIFT: "Deleterious"; PolyPhen-2: "Probably Damaging"; Align-GVGD: "Class C15"). In summary, the available evidence is currently insufficient to determine the role of this variant in disease. Therefore, it has been classified as a Variant of Uncertain Significance.

NM_001374736.1(DST):c.4393G>A (p.Asp1465Asn)

Gene: DST (dystonin; minus strand). Cytogenetic location: 6p12.1.
Variant type: single nucleotide variant.
Coding change: c.4393G>A on transcript NM_001374736.1 (MANE Select); coding-DNA position 4393, G replaced by A.
Protein change: p.Asp1465Asn; replaces aspartic acid 1465 with asparagine.
Molecular consequence: missense variant.
Genome position (GRCh38, 1-based): chr6:56,629,332, C>T on the plus strand (G>A on the coding strand, the complement: DST is on the minus strand). VCF-style: chr6-56629332-C-T. GRCh37 (hg19) VCF-style: chr6-56494130-C-T.
Other names: c.4294G>A, p.Asp1432Asn (NM_001144769.5); c.3880G>A, p.Asp1294Asn (NM_001144770.2); c.4393G>A, p.Asp1465Asn (NM_001374722.1); c.3760G>A, p.Asp1254Asn (NM_001374729.1, NM_001374730.1, NM_001386100.1 and 1 more transcripts); c.4420G>A, p.Asp1474Asn (NM_001374734.1); c.2782G>A, p.Asp928Asn (NM_001723.7, NM_015548.5); short protein forms D928N, D1254N, D1294N, D1432N, D1465N, D1474N.
Identifiers: ClinVar variation 541451 (VCV000541451.8), dbSNP rs141875862, ClinGen allele CA3870912.